The following is an entry in ClinVar:

ClinVar aggregate classification (germline): Pathogenic/Likely pathogenic. Review status: criteria provided, multiple submitters, no conflicts (2 of 4 stars). 2 submissions from 2 submitters: Pathogenic (1); Likely pathogenic (1). Last evaluated 2021-06-05.

Conditions:
USH2A-related disorder. Also called: USH2A-related disorders; USH2A-related condition. Identifiers: MedGen CN239332.

Submissions (2):

Labcorp Genetics (formerly Invitae), Labcorp
Classification: Pathogenic. Last evaluated: 2021-06-05. Review status: criteria provided, single submitter. Criteria: Invitae Variant Classification Sherloc (09022015). Collection method: clinical testing. Allele origin: germline.
Comment: For these reasons, this variant has been classified as Pathogenic. This variant has not been reported in the literature in individuals with USH2A-related conditions. This variant is not present in population databases (ExAC no frequency). This sequence change creates a premature translational stop signal (p.Ser4945Trpfs*4) in the USH2A gene. It is expected to result in an absent or disrupted protein product. Loss-of-function variants in USH2A are known to be pathogenic (PMID: 10729113, 10909849, 20507924, 25649381).

Blueprint Genetics
Classification: Likely pathogenic for USH2A-related disorders. Last evaluated: 2020-10-15. Review status: criteria provided, single submitter. Criteria: ACMG Guidelines, 2015. Collection method: clinical testing. Allele origin: germline. Affected: yes. Observed: 1 variant allele.

Literature cited by the submitters: PubMed 10729113 (cited by Labcorp Genetics (formerly Invitae), Labcorp); PubMed 10909849 (cited by Labcorp Genetics (formerly Invitae), Labcorp); PubMed 20507924 (cited by Labcorp Genetics (formerly Invitae), Labcorp); PubMed 25649381 (cited by Labcorp Genetics (formerly Invitae), Labcorp).

NM_206933.4(USH2A):c.14834_14837del (p.Ser4945fs)

Gene: USH2A (usherin; minus strand). Cytogenetic location: 1q41.
Variant type: Deletion.
Coding change: c.14834_14837del on transcript NM_206933.4 (MANE Select); coding-DNA positions 14834 to 14837, 4 bases deleted (CTGT; older notation c.14834_14837delCTGT).
Protein change: p.Ser4945fs; shifts the reading frame from serine 4945.
Molecular consequence: frameshift variant.
Genome position (GRCh38, 1-based): chr1:215,640,689-215,640,692, ACAG deleted on the plus strand (CTGT on the coding strand, the reverse complement: USH2A is on the minus strand); deleting any 4 consecutive bases within chr1:215,640,689-215,640,695 gives the same sequence; the c. name uses the placement nearest the transcript's 3' end. VCF-style (leftmost placement, unchanged base first): chr1-215640688-CACAG-C. GRCh37 (hg19) VCF-style: chr1-215814030-CACAG-C.
Other names: short protein forms S4945fs.
Identifiers: ClinVar variation 1455059 (VCV001455059.7), dbSNP rs2102636068, ClinGen allele CA2573131537.
Genomic context (GRCh38, chr1:215,640,688, plus strand): 5'-TAACACGTACTCCTTCAGTTGGCCGTTCAGGAGGAAGGTGTCACTCCAGTTCACACACAC[CACAG>C]ACAAATTGCTGTCCACCGAAAATGGGGCTCGGTACTGAGGCACTGTGGGGAGAAAGTTGT-3'